The following is an entry in ClinVar:

NM_000038.6(APC):c.3956del (p.Pro1319fs)

Gene: APC (APC regulator of Wnt signaling pathway; plus strand). Cytogenetic location: 5q22.2.
Variant type: Deletion.
Coding change: c.3956del on transcript NM_000038.6 (MANE Select); coding-DNA position 3956, one base deleted (C; older notation c.3956delC).
Protein change: p.Pro1319fs; shifts the reading frame from proline 1319.
Molecular consequence: frameshift variant.
Genome position (GRCh38, 1-based): chr5:112,839,550, C deleted; the last of 2 consecutive C bases (chr5:112,839,549-112,839,550); deleting either gives the same sequence. VCF-style (leftmost placement, unchanged base first): chr5-112839548-TC-T. GRCh37 (hg19) VCF-style: chr5-112175245-TC-T.
Other names: c.3956del, p.Pro1319fs (NM_001127510.3, NM_001354895.2); c.3902del, p.Pro1301fs (NM_001127511.3); c.4010del, p.Pro1337fs (NM_001354896.2); c.3986del, p.Pro1329fs (NM_001354897.2); c.3881del, p.Pro1294fs (NM_001354898.2); c.3872del, p.Pro1291fs (NM_001354899.2); c.3833del, p.Pro1278fs (NM_001354900.2); c.3779del, p.Pro1260fs (NM_001354901.2); and 6 more; short protein forms P1319fs, P1159fs, P1228fs, P1260fs, P1278fs, P1294fs, P1329fs, P1193fs.
Identifiers: ClinVar variation 371830 (VCV000371830.18), dbSNP rs1057517558, ClinGen allele CA16042095.

ClinVar aggregate classification (germline): Pathogenic/Likely pathogenic. Review status: criteria provided, multiple submitters, no conflicts (2 of 4 stars). 6 submissions from 6 submitters: Pathogenic (3); Likely pathogenic (2). 1 of the submissions does not count toward it. Last evaluated 2026-03-18.
ClinVar aggregate classification (somatic clinical impact): Tier II - Potential (0 of 4 stars; one submission).
ClinVar aggregate classification (oncogenicity): Oncogenic (0 of 4 stars; one submission).

Conditions:
Hereditary cancer-predisposing syndrome. Also called: Hereditary Cancer Syndrome; Tumor predisposition; Hereditary neoplastic syndrome; Neoplastic Syndromes, Hereditary. Identifiers: Orphanet 140162, MedGen C0027672, MeSH D009386, MONDO:0015356.
Familial adenomatous polyposis 1 (FAP1). Also called: FAMILIAL ADENOMATOUS POLYPOSIS 1, ATTENUATED; POLYPOSIS, ADENOMATOUS INTESTINAL. Identifiers: MedGen C2713442, MONDO:0021056, OMIM 175100. Disease mechanism: loss of function.
Colorectal cancer. Also called: Malignant Colorectal Neoplasm; Colorectal cancer, somatic. Identifiers: MedGen C0346629, MONDO:0005575, OMIM 114500.

Submissions (8):

Ambry Genetics
Classification: Likely pathogenic for Hereditary cancer-predisposing syndrome. Last evaluated: 2026-03-18. Review status: criteria provided, single submitter. Criteria: Ambry Variant Classification Scheme 2023. Collection method: clinical testing. Allele origin: germline.
Comment: The c.3956delC variant, located in coding exon 15 of the APC gene, results from a deletion of one nucleotide at nucleotide position 3956, causing a translational frameshift with a predicted alternate stop codon (p.P1319Lfs*2). This variant occurs at the 3' terminus of the gene, is not expected to trigger nonsense-mediated mRNA decay, and impacts the last 53% of the protein. However, premature stop codons are typically deleterious in nature and a significant portion of the protein is affected (Ambry internal data). This variant is considered to be rare based on population cohorts in the Genome Aggregation Database (gnomAD). Based on the majority of available evidence to date, this variant is likely to be pathogenic.

Molecular Diagnostics Laboratory, Catalan Institute of Oncology
Classification: Likely pathogenic for Hereditary cancer-predisposing syndrome. Last evaluated: 2024-12-19. Review status: criteria provided, single submitter. Criteria: ClinGen ACMG Specifications APC V1.0.0. Collection method: clinical testing. Allele origin: germline.
Comment: PVS1, PM2_Supporting c.3956del, located in exon 16 of the APC gene, consists in the deletion of 1 nucleotide, causing a translational frameshift with a predicted alternate stop codon, p.(Pro1319Leufs*2). This alteration is expected to result in loss of function by premature protein truncation but not to trigger nonsense-mediated mRNA decay. However, APC-specific ClinGen guidelines grant PVS1 to frameshift variants with stop codons between positions 49 and 2645 (PVS1). No effect is predicted on splicing by SpliceAI. It is not present in the population database gnomAD v2.1.1, non cancer dataset (PM2_supporting). To our knowledge, neither relevant clinical data nor well-stablished functional studies have been reported for this variant. It has been reported in the ClinVar database (4x pathogenic) and in the LOVD database (2x pathogenic). Based on the currently available information, c.3956del is classified as a likely pathogenic variant according to ClinGen-APC Guidelines version 1.

Myriad Genetics, Inc.
Classification: Pathogenic for Familial adenomatous polyposis 1. Last evaluated: 2023-02-14. Review status: criteria provided, single submitter. Criteria: Myriad Autosomal Dominant, Autosomal Recessive and X-Linked Classification Criteria (2023). Collection method: clinical testing. Allele origin: unknown.
Comment: This variant is considered pathogenic. This variant creates a frameshift predicted to result in premature protein truncation.

GeneDx
Classification: Pathogenic. Last evaluated: 2021-08-19. Review status: criteria provided, single submitter. Criteria: GeneDx Variant Classification Process June 2021. Collection method: clinical testing. Allele origin: germline. Affected: yes.
Comment: Frameshift variant predicted to result in protein truncation or nonsense mediated decay in a gene for which loss-of-function is a known mechanism of disease; Not observed at significant frequency in large population cohorts (Lek 2016); Observed in individuals with Familial Adenomatous Polyposis in published literature (Lagarde 2010); This variant is associated with the following publications: (PMID: 20685668, 26309368, 10923044, 23085758, 8187091, 23766371)

Labcorp Genetics (formerly Invitae), Labcorp
Classification: Pathogenic for Familial adenomatous polyposis 1. Last evaluated: 2021-08-04. Review status: criteria provided, single submitter. Criteria: Invitae Variant Classification Sherloc (09022015). Collection method: clinical testing. Allele origin: germline.
Comment: This variant is expected to disrupt the EB1 and HDLG binding sites, which mediate interactions with the cytoskeleton (PMID: 15311282, 17293347). While functional studies have not been performed to directly test the effect on APC protein function, this suggests that disruption of the C-terminal portion of the protein is functionally important. A different truncation (p.Tyr2645Lysfs*14) that lies downstream of this variant has been determined to be pathogenic (PMID: 9824584, 1316610, 27081525, 8381579, 22135120, Invitae). This suggests that deletion of this region of the APC protein is causative of disease. For these reasons, this variant has been classified as Pathogenic. ClinVar contains an entry for this variant (Variation ID: 371830). This premature translational stop signal has been observed in individual(s) with clinical features of familial adenomatous polyposis (PMID: 20685668). This variant is not present in population databases (ExAC no frequency). This sequence change creates a premature translational stop signal (p.Pro1319Leufs*2) in the APC gene. While this is not anticipated to result in nonsense mediated decay, it is expected to disrupt the last 1525 amino acid(s) of the APC protein.

Department of Clinical Biochemistry, Naestved Hospital
Classification: Tier II - Potential for Colorectal cancer. Assertion type: prognostic. Clinical significance: better outcome. Last evaluated: 2024-10-10. Review status: no assertion criteria provided. Collection method: research. Allele origin: somatic.
Comment: Frameshift deletion

Genome Sciences Centre, British Columbia Cancer Agency
Classification: Oncogenic for Colorectal cancer. Last evaluated: 2016-04-12. Review status: no assertion criteria provided. Collection method: research. Allele origin: somatic. Affected: yes.

Counsyl
Classification: Pathogenic for Familial adenomatous polyposis 1. Last evaluated: 2016-03-17. Review status: no assertion criteria provided. Collection method: clinical testing. Allele origin: unknown. Not counted in ClinVar's aggregate classification.

Literature cited by the submitters: PubMed 15311282 (cited by Labcorp Genetics (formerly Invitae), Labcorp); PubMed 17293347 (cited by Labcorp Genetics (formerly Invitae), Labcorp); PubMed 9824584 (cited by Labcorp Genetics (formerly Invitae), Labcorp); PubMed 1316610 (cited by Labcorp Genetics (formerly Invitae), Labcorp); PubMed 27081525 (cited by Labcorp Genetics (formerly Invitae), Labcorp); PubMed 8381579 (cited by Labcorp Genetics (formerly Invitae), Labcorp); PubMed 22135120 (cited by Labcorp Genetics (formerly Invitae), Labcorp); PubMed 20685668 (cited by Labcorp Genetics (formerly Invitae), Labcorp and Counsyl); PubMed 8187091 (cited by Counsyl); PubMed 26309368 (cited by Counsyl); PubMed 10923044 (cited by Counsyl).